The following is an entry in ClinVar:

ClinVar aggregate classification (germline): Uncertain significance (1 of 4 stars; one submission).

Submission:

Dasa
Classification: Uncertain significance. Last evaluated: 2025-04-21. Review status: criteria provided, single submitter. Criteria: DASA Assertion Criteria. Collection method: clinical testing. Allele origin: germline.
Comment: NM_000214.3(JAG1):c.3353A>C (p.Gln1118Pro) is a missense variant that results in the substitution of glutamine with proline. This variant is rare in population databases. The currently available literature and clinical evidence are not sufficient to establish a definitive association between this variant and the reported condition. Therefore, this variant is classified as a variant of uncertain significance.

NM_000214.3(JAG1):c.3353A>C (p.Gln1118Pro)

Gene: JAG1 (jagged canonical Notch ligand 1; minus strand). Cytogenetic location: 20p12.2.
Variant type: single nucleotide variant.
Coding change: c.3353A>C on transcript NM_000214.3 (MANE Select); coding-DNA position 3353, A replaced by C.
Protein change: p.Gln1118Pro; replaces glutamine 1118 with proline.
Molecular consequence: missense variant.
Genome position (GRCh38, 1-based): chr20:10,639,802, T>G on the plus strand (A>C on the coding strand, the complement: JAG1 is on the minus strand). VCF-style: chr20-10639802-T-G. GRCh37 (hg19) VCF-style: chr20-10620450-T-G.
Other names: short protein forms Q1118P.
Identifiers: ClinVar variation 4883686 (VCV004883686.2).